The following is an entry in ClinVar:

NM_004304.5(ALK):c.1770G>C (p.Leu590Phe)

Gene: ALK (ALK receptor tyrosine kinase; minus strand). Cytogenetic location: 2p23.2.
Variant type: single nucleotide variant.
Coding change: c.1770G>C on transcript NM_004304.5 (MANE Select); coding-DNA position 1770, G replaced by C.
Protein change: p.Leu590Phe; replaces leucine 590 with phenylalanine.
Molecular consequence: missense variant.
Genome position (GRCh38, 1-based): chr2:29,296,935, C>G on the plus strand (G>C on the coding strand, the complement: ALK is on the minus strand). VCF-style: chr2-29296935-C-G. GRCh37 (hg19) VCF-style: chr2-29519801-C-G.
Other names: short protein forms L590F.
Identifiers: ClinVar variation 4666004 (VCV004666004.1).

ClinVar aggregate classification (germline): Uncertain significance (1 of 4 stars; one submission).

Conditions:
Hereditary cancer-predisposing syndrome. Also called: Neoplastic Syndromes, Hereditary; Tumor predisposition; Hereditary Cancer Syndrome; Hereditary neoplastic syndrome. Identifiers: Orphanet 140162, MedGen C0027672, MeSH D009386, MONDO:0015356.

Submission:

Ambry Genetics
Classification: Uncertain significance for Hereditary cancer-predisposing syndrome. Last evaluated: 2025-09-17. Review status: criteria provided, single submitter. Criteria: Ambry Variant Classification Scheme 2023. Collection method: clinical testing. Allele origin: germline.
Comment: The p.L590F variant (also known as c.1770G>C), located in coding exon 9 of the ALK gene, results from a G to C substitution at nucleotide position 1770. The leucine at codon 590 is replaced by phenylalanine, an amino acid with highly similar properties. This amino acid position is conserved. In addition, this alteration is predicted to be tolerated by in silico analysis. Based on the available evidence, the clinical significance of this variant remains unclear.